The following is an entry in ClinVar:

NM_006922.4(SCN3A):c.3590A>T (p.Lys1197Ile)

Gene: SCN3A (sodium voltage-gated channel alpha subunit 3; minus strand). Cytogenetic location: 2q24.3.
Variant type: single nucleotide variant.
Coding change: c.3590A>T on transcript NM_006922.4 (MANE Select); coding-DNA position 3590, A replaced by T.
Protein change: p.Lys1197Ile; replaces lysine 1197 with isoleucine.
Molecular consequence: missense variant.
Genome position (GRCh38, 1-based): chr2:165,113,895, T>A on the plus strand (A>T on the coding strand, the complement: SCN3A is on the minus strand). VCF-style: chr2-165113895-T-A. GRCh37 (hg19) VCF-style: chr2-165970405-T-A.
Other names: c.3443A>T, p.Lys1148Ile (NM_001081676.2, NM_001081677.2); short protein forms K1197I, K1148I.
Identifiers: ClinVar variation 856027 (VCV000856027.9), dbSNP rs1031384101, ClinGen allele CA59725049.
Genomic context (GRCh38, chr2:165,113,895, plus strand): 5'-AGGATCATGAACACAATGAAAGTCTCAAACCAGTTGTGCTCAACAATACTGTAGCAGGTT[T>A]TTCGAAGATTCCACCAGATCTTCCCTTTGCCTTCTTCTGTACTTACTTGACAGAATGGAA-3'
Protein context (NP_008853.3, residues 1187-1207): GKGKIWWNLR[Lys1197Ile]TCYSIVEHNW

ClinVar aggregate classification (germline): Uncertain significance (1 of 4 stars; one submission).

Allele frequency attached by ClinVar (database versions not stated): gnomAD 0.00001; gnomAD exomes 0.00001; TOPMed below 0.00001.
gnomAD v4.1: 15 of 1,613,706 alleles (0.00093%); highest among the groups gnomAD compares: Non-Finnish European, 0.0013%; no homozygotes.

Submission:

Labcorp Genetics (formerly Invitae), Labcorp
Classification: Uncertain significance. Last evaluated: 2023-10-13. Review status: criteria provided, single submitter. Criteria: Invitae Variant Classification Sherloc (09022015). Collection method: clinical testing. Allele origin: germline.
Comment: This sequence change replaces lysine, which is basic and polar, with isoleucine, which is neutral and non-polar, at codon 1197 of the SCN3A protein (p.Lys1197Ile). This variant is present in population databases (no rsID available, gnomAD 0.007%). This variant has not been reported in the literature in individuals affected with SCN3A-related conditions. ClinVar contains an entry for this variant (Variation ID: 856027). Advanced modeling of protein sequence and biophysical properties (such as structural, functional, and spatial information, amino acid conservation, physicochemical variation, residue mobility, and thermodynamic stability) has been performed at Invitae for this missense variant, however the output from this modeling did not meet the statistical confidence thresholds required to predict the impact of this variant on SCN3A protein function. In summary, the available evidence is currently insufficient to determine the role of this variant in disease. Therefore, it has been classified as a Variant of Uncertain Significance.